The following is an entry in ClinVar:

NM_030665.4(RAI1):c.4715A>G (p.Glu1572Gly)

Gene: RAI1 (retinoic acid induced 1; plus strand). Cytogenetic location: 17p11.2.
Variant type: single nucleotide variant.
Coding change: c.4715A>G on transcript NM_030665.4 (MANE Select); coding-DNA position 4715, A replaced by G.
Protein change: p.Glu1572Gly; replaces glutamic acid 1572 with glycine.
Molecular consequence: missense variant.
Genome position (GRCh38, 1-based): chr17:17,797,663, A>G. VCF-style: chr17-17797663-A-G. GRCh37 (hg19) VCF-style: chr17-17700977-A-G.
Other names: short protein forms E1572G.
Identifiers: ClinVar variation 2825563 (VCV002825563.3), dbSNP rs2543622037, ClinGen allele CA398557337.

ClinVar aggregate classification (germline): Uncertain significance (1 of 4 stars; one submission).

Submission:

Labcorp Genetics (formerly Invitae), Labcorp
Classification: Uncertain significance. Last evaluated: 2023-11-13. Review status: criteria provided, single submitter. Criteria: Invitae Variant Classification Sherloc (09022015). Collection method: clinical testing. Allele origin: germline.
Comment: This sequence change replaces glutamic acid, which is acidic and polar, with glycine, which is neutral and non-polar, at codon 1572 of the RAI1 protein (p.Glu1572Gly). This variant is not present in population databases (gnomAD no frequency). This variant has not been reported in the literature in individuals affected with RAI1-related conditions. Advanced modeling of protein sequence and biophysical properties (such as structural, functional, and spatial information, amino acid conservation, physicochemical variation, residue mobility, and thermodynamic stability) has been performed at Invitae for this missense variant, however the output from this modeling did not meet the statistical confidence thresholds required to predict the impact of this variant on RAI1 protein function. In summary, the available evidence is currently insufficient to determine the role of this variant in disease. Therefore, it has been classified as a Variant of Uncertain Significance.